The following is an entry in ClinVar:

NM_007373.4(SHOC2):c.569G>A (p.Arg190Lys)

Gene: SHOC2 (SHOC2 leucine rich repeat scaffold protein; plus strand). Cytogenetic location: 10q25.2.
Variant type: single nucleotide variant.
Coding change: c.569G>A on transcript NM_007373.4 (MANE Select); coding-DNA position 569, G replaced by A.
Protein change: p.Arg190Lys; replaces arginine 190 with lysine.
Molecular consequence: missense variant.
Genome position (GRCh38, 1-based): chr10:110,964,927, G>A. VCF-style: chr10-110964927-G-A. GRCh37 (hg19) VCF-style: chr10-112724685-G-A.
Other names: c.569G>A, p.Arg190Lys (NM_001269039.3, NM_001324336.2, NM_001324337.2); short protein forms R190K.
Identifiers: ClinVar variation 2957705 (VCV002957705.3), dbSNP rs745320663, ClinGen allele CA5689597.

ClinVar aggregate classification (germline): Uncertain significance (1 of 4 stars; one submission).

Conditions:
RASopathy. Also called: rasopathies; Noonan spectrum disorder. Identifiers: Orphanet 536391, MedGen C5555857, MONDO:0021060.

Allele frequency attached by ClinVar (database versions not stated): TOPMed below 0.00001; gnomAD exomes 0.00001; ExAC 0.00002.
gnomAD v4.1: 7 of 1,613,750 alleles (0.00043%); highest among the groups gnomAD compares: South Asian, 0.0011%; no homozygotes.

Submission:

Labcorp Genetics (formerly Invitae), Labcorp
Classification: Uncertain significance for RASopathy. Last evaluated: 2023-12-02. Review status: criteria provided, single submitter. Criteria: Invitae Variant Classification Sherloc (09022015). Collection method: clinical testing. Allele origin: germline.
Comment: This sequence change replaces arginine, which is basic and polar, with lysine, which is basic and polar, at codon 190 of the SHOC2 protein (p.Arg190Lys). This variant is present in population databases (rs745320663, gnomAD 0.002%). This variant has not been reported in the literature in individuals affected with SHOC2-related conditions. Advanced modeling of protein sequence and biophysical properties (such as structural, functional, and spatial information, amino acid conservation, physicochemical variation, residue mobility, and thermodynamic stability) performed at Invitae indicates that this missense variant is not expected to disrupt SHOC2 protein function with a negative predictive value of 80%. In summary, the available evidence is currently insufficient to determine the role of this variant in disease. Therefore, it has been classified as a Variant of Uncertain Significance.